The following is an entry in ClinVar:

ClinVar aggregate classification (germline): Pathogenic (1 of 4 stars; one submission).

Conditions:
Ehlers-Danlos syndrome, dermatosparaxis type. Also called: EDS VIIC; Dermatosparaxis; Ehlers-Danlos syndrome, type VII, autosomal recessive. Identifiers: Orphanet 1901, MedGen C2700425, MONDO:0009161, OMIM 225410.

Submission:

Women's Health and Genetics/Laboratory Corporation of America, LabCorp
Classification: Pathogenic for Ehlers-Danlos syndrome, dermatosparaxis type. Last evaluated: 2025-04-07. Review status: criteria provided, single submitter. Criteria: LabCorp Variant Classification Summary - May 2015. Collection method: clinical testing. Allele origin: germline.
Comment: Variant summary: ADAMTS2 c.798C>A (p.Tyr266X) results in a premature termination codon, predicted to cause a truncation of the encoded protein or absence of the protein due to nonsense mediated decay, which are commonly known mechanisms for disease. The variant was absent in 251384 control chromosomes. To our knowledge, no occurrence of c.798C>A in individuals affected with Ehlers-Danlos syndrome, dermatosparaxis type and no experimental evidence demonstrating its impact on protein function have been reported. No submitters have cited clinical-significance assessments for this variant to ClinVar. Based on the evidence outlined above, the variant was classified as pathogenic.

NM_014244.5(ADAMTS2):c.798C>A (p.Tyr266Ter)

Gene: ADAMTS2 (ADAM metallopeptidase with thrombospondin type 1 motif 2; minus strand). Cytogenetic location: 5q35.3.
Variant type: single nucleotide variant.
Coding change: c.798C>A on transcript NM_014244.5 (MANE Select); coding-DNA position 798, C replaced by A.
Protein change: p.Tyr266Ter; replaces tyrosine 266 with a stop codon.
Molecular consequence: nonsense.
Genome position (GRCh38, 1-based): chr5:179,207,606, G>T on the plus strand (C>A on the coding strand, the complement: ADAMTS2 is on the minus strand). VCF-style: chr5-179207606-G-T. GRCh37 (hg19) VCF-style: chr5-178634607-G-T.
Other names: c.798C>A, p.Tyr266Ter (NM_021599.4); short protein forms Y266*.
Identifiers: ClinVar variation 3896435 (VCV003896435.2).
Genomic context (GRCh38, chr5:179,207,606, plus strand): 5'-GTGCTCCTTCCCGTGGAACTGCACCACAGAGTCATCCACGCCCAGCAGGACCTCGATGTT[G>T]TAGTCATCGTCCGCAGCATGCCTGCGTGCCCTCCGCCTCGAGCTGTTGGCGTGCTCCTCT-3'